The following is an entry in ClinVar:

NM_001082486.2(ACD):c.475T>C (p.Ser159Pro)

Gene: ACD (ACD shelterin complex subunit and telomerase recruitment factor; minus strand). Cytogenetic location: 16q22.1.
Variant type: single nucleotide variant.
Coding change: c.475T>C on transcript NM_001082486.2 (MANE Select); coding-DNA position 475, T replaced by C.
Protein change: p.Ser159Pro; replaces serine 159 with proline.
Molecular consequence: missense variant.
Genome position (GRCh38, 1-based): chr16:67,659,247, A>G on the plus strand (T>C on the coding strand, the complement: ACD is on the minus strand). VCF-style: chr16-67659247-A-G. GRCh37 (hg19) VCF-style: chr16-67693150-A-G.
Other names: c.475T>C, p.Ser159Pro (NM_001410884.1); c.466T>C, p.Ser156Pro (NM_022914.3); short protein forms S156P, S159P.
Identifiers: ClinVar variation 2452429 (VCV002452429.2), dbSNP rs2543605478, ClinGen allele CA396354587.

ClinVar aggregate classification (germline): Uncertain significance (1 of 4 stars; one submission).

Conditions:
Inborn genetic diseases. Identifiers: MedGen C0950123, MeSH D030342.

Submission:

Ambry Genetics
Classification: Uncertain significance for Inborn genetic diseases. Last evaluated: 2022-11-24. Review status: criteria provided, single submitter. Criteria: Ambry Variant Classification Scheme 2023. Collection method: clinical testing. Allele origin: germline.
Comment: The p.S245P variant (also known as c.733T>C), located in coding exon 6 of the ACD gene, results from a T to C substitution at nucleotide position 733. The serine at codon 245 is replaced by proline, an amino acid with similar properties. This amino acid position is conserved. In addition, this alteration is predicted to be tolerated by in silico analysis. Since supporting evidence is limited at this time, the clinical significance of this alteration remains unclear.